The following is an entry in ClinVar:

NM_182641.4(BPTF):c.1691dup (p.Asp566fs)

Gene: BPTF (bromodomain PHD finger transcription factor; plus strand). Cytogenetic location: 17q24.2.
Variant type: Duplication.
Coding change: c.1691dup on transcript NM_182641.4 (MANE Select); coding-DNA position 1691, one base duplicated (A; older notation c.1691dupA).
Protein change: p.Asp566fs; shifts the reading frame from aspartic acid 566.
Molecular consequence: frameshift variant.
Genome position (GRCh38, 1-based): chr17:67,874,847, A duplicated; the last of 5 consecutive A bases (chr17:67,874,843-67,874,847); duplicating any one gives the same sequence. VCF-style (leftmost placement, unchanged base first): chr17-67874842-C-CA. GRCh37 (hg19) VCF-style: chr17-65870958-C-CA.
Other names: c.1691dup, p.Asp566fs (NM_001439139.1, NM_001439140.1, NM_001439141.1 and 4 more transcripts); c.1691dupA (NM_004459.7); short protein forms D566fs.
Identifiers: ClinVar variation 4847311 (VCV004847311.1).

ClinVar aggregate classification (germline): Pathogenic (1 of 4 stars; one submission).

Conditions:
Neurodevelopmental disorder with dysmorphic facies and distal limb anomalies. Identifiers: Orphanet 686482, MedGen C4540327, MONDO:0060596, OMIM 617755.

Submission:

Women's Health and Genetics/Laboratory Corporation of America, LabCorp
Classification: Pathogenic for Neurodevelopmental disorder with dysmorphic facies and distal limb anomalies. Last evaluated: 2026-03-11. Review status: criteria provided, single submitter. Criteria: LabCorp Variant Classification Summary - May 2015. Collection method: clinical testing. Allele origin: germline.
Comment: Variant summary: BPTF c.1691dupA (p.Asp566ArgfsX3) results in a premature termination codon, predicted to cause a truncation of the encoded protein or absence of the protein due to nonsense mediated decay, which are commonly known mechanisms for disease. The variant was absent in 250336 control chromosomes. To our knowledge, no occurrence of c.1691dupA in individuals affected with BPTF-related conditions and no experimental evidence demonstrating its impact on protein function have been reported. No submitters have cited clinical-significance assessments for this variant to ClinVar. Based on the evidence outlined above, the variant was classified as pathogenic.